The following is an entry in ClinVar:

ClinVar aggregate classification (germline): Uncertain significance (1 of 4 stars; one submission).

Conditions:
Cortical dysplasia-focal epilepsy syndrome (PTHSL1). Also called: Pitt-Hopkins-like syndrome 1. Identifiers: Orphanet 163681, Orphanet 221150, MedGen C2750246, MONDO:0012400, OMIM 610042.

Submission:

Labcorp Genetics (formerly Invitae), Labcorp
Classification: Uncertain significance for Cortical dysplasia-focal epilepsy syndrome. Last evaluated: 2023-11-19. Review status: criteria provided, single submitter. Criteria: Invitae Variant Classification Sherloc (09022015). Collection method: clinical testing. Allele origin: germline.
Comment: This sequence change replaces methionine, which is neutral and non-polar, with leucine, which is neutral and non-polar, at codon 669 of the CNTNAP2 protein (p.Met669Leu). This variant is not present in population databases (gnomAD no frequency). This variant has not been reported in the literature in individuals affected with CNTNAP2-related conditions. Algorithms developed to predict the effect of missense changes on protein structure and function output the following: SIFT: "Not Available"; PolyPhen-2: "Benign"; Align-GVGD: "Not Available". The leucine amino acid residue is found in multiple mammalian species, which suggests that this missense change does not adversely affect protein function. In summary, the available evidence is currently insufficient to determine the role of this variant in disease. Therefore, it has been classified as a Variant of Uncertain Significance.

NM_014141.6(CNTNAP2):c.2005A>T (p.Met669Leu)

Gene: CNTNAP2 (contactin associated protein 2; plus strand). Cytogenetic location: 7q35.
Variant type: single nucleotide variant.
Coding change: c.2005A>T on transcript NM_014141.6 (MANE Select); coding-DNA position 2005, A replaced by T.
Protein change: p.Met669Leu; replaces methionine 669 with leucine.
Molecular consequence: missense variant.
Genome position (GRCh38, 1-based): chr7:147,639,213, A>T. VCF-style: chr7-147639213-A-T. GRCh37 (hg19) VCF-style: chr7-147336305-A-T.
Other names: short protein forms M669L.
Identifiers: ClinVar variation 2695379 (VCV002695379.3), dbSNP rs1795236116, ClinGen allele CA369926271.